The following is an entry in ClinVar:

ClinVar aggregate classification (germline): Uncertain significance. Review status: criteria provided, multiple submitters, no conflicts (2 of 4 stars). 5 submissions from 5 submitters: Uncertain significance (5). Last evaluated 2026-06-27.

Conditions:
ELMOD3-related disorder. Also called: ELMOD3-related condition.

Allele frequency attached by ClinVar (database versions not stated): TOPMed 0.00011; ExAC 0.00015; ESP Exome Variant Server 0.00015; gnomAD 0.00015; gnomAD exomes 0.00034.
gnomAD v4.1: 511 of 1,614,050 alleles (0.032%); highest among the groups gnomAD compares: Non-Finnish European, 0.042%; no homozygotes.

Submissions (5):

PreventionGenetics, part of Exact Sciences
Classification: Uncertain significance for ELMOD3-related condition. Last evaluated: 2026-06-27. Review status: criteria provided, single submitter. Criteria: ACMG Guidelines, 2015. Collection method: clinical testing. Allele origin: germline.
Comment: The ELMOD3 c.490C>A variant is predicted to result in the amino acid substitution p.Leu164Met. To our knowledge, this variant has not been reported in the literature. This variant is reported in 0.028% of alleles in individuals of European (Non-Finnish) descent in gnomAD. At this time, the clinical significance of this variant is uncertain due to the absence of conclusive functional and genetic evidence.

Women's Health and Genetics/Laboratory Corporation of America, LabCorp
Classification: Uncertain significance. Last evaluated: 2026-03-17. Review status: criteria provided, single submitter. Criteria: LabCorp Variant Classification Summary - May 2015. Collection method: clinical testing. Allele origin: germline.
Comment: Variant summary: ELMOD3 c.490C>A (p.Leu164Met) results in a conservative amino acid change in the encoded protein sequence. Algorithms developed to predict the effect of missense changes on protein structure and function are either unavailable or do not agree on the potential impact of this missense change. The variant allele was found at a frequency of 0.00014 in 250940 control chromosomes. This frequency is not significantly higher than estimated for disease-causing variants in ELMOD3, allowing no conclusion about variant significance. To our knowledge, no occurrence of c.490C>A in individuals affected with ELMOD3-related conditions and no experimental evidence demonstrating its impact on protein function have been reported. ClinVar contains an entry for this variant (Variation ID: 2712835). Based on the evidence outlined above, the variant was classified as uncertain significance.

Ambry Genetics
Classification: Uncertain significance. Last evaluated: 2025-03-10. Review status: criteria provided, single submitter. Criteria: Ambry Variant Classification Scheme 2023. Collection method: clinical testing. Allele origin: germline.

Labcorp Genetics (formerly Invitae), Labcorp
Classification: Uncertain significance. Last evaluated: 2023-10-13. Review status: criteria provided, single submitter. Criteria: Invitae Variant Classification Sherloc (09022015). Collection method: clinical testing. Allele origin: germline.
Comment: This sequence change replaces leucine, which is neutral and non-polar, with methionine, which is neutral and non-polar, at codon 164 of the ELMOD3 protein (p.Leu164Met). This variant is present in population databases (rs147341196, gnomAD 0.03%). This variant has not been reported in the literature in individuals affected with ELMOD3-related conditions. Advanced modeling of protein sequence and biophysical properties (such as structural, functional, and spatial information, amino acid conservation, physicochemical variation, residue mobility, and thermodynamic stability) performed at Invitae indicates that this missense variant is not expected to disrupt ELMOD3 protein function. In summary, the available evidence is currently insufficient to determine the role of this variant in disease. Therefore, it has been classified as a Variant of Uncertain Significance.

Blueprint Genetics
Classification: Uncertain significance. Last evaluated: 2018-06-20. Review status: criteria provided, single submitter. Criteria: ACMG Guidelines, 2015. Collection method: clinical testing. Allele origin: germline.

NM_001135022.2(ELMOD3):c.490C>A (p.Leu164Met)

Gene: ELMOD3 (ELMO domain containing 3; plus strand). Cytogenetic location: 2p11.2.
Variant type: single nucleotide variant.
Coding change: c.490C>A on transcript NM_001135022.2 (MANE Select); coding-DNA position 490, C replaced by A.
Protein change: p.Leu164Met; replaces leucine 164 with methionine.
Molecular consequence: missense variant. On other transcripts: non-coding transcript variant (1).
Genome position (GRCh38, 1-based): chr2:85,371,445, C>A. VCF-style: chr2-85371445-C-A. GRCh37 (hg19) VCF-style: chr2-85598568-C-A.
Other names: c.490C>A (NM_001135021.1, NM_032213.4); c.490C>A, p.Leu164Met (NM_001135021.2, NM_001135023.2, NM_001329791.2 and 3 more transcripts); short protein forms L164M.
Identifiers: ClinVar variation 2712835 (VCV002712835.8), dbSNP rs147341196, ClinGen allele CA1740378.
Genomic context (GRCh38, chr2:85,371,445, plus strand): 5'-CCGGTTCTCCCATGAGGGGCAATCTGGCAGAGAGTGTGGGTGTGTTTTGGGGCAGGTGGC[C>A]TGGATAGCCAAGACCCAGTGCATGGCCGAGTCCTCCAGACCATCTATAAGAAGCTGACCG-3'
Protein context (NP_001128494.1, residues 154-174): DLVLTIAQCG[Leu164Met]DSQDPVHGRV